The following is an entry in ClinVar:

NM_001372066.1(TFAP2A):c.1079C>G (p.Pro360Arg)

Gene: TFAP2A (transcription factor AP-2 alpha; minus strand). Cytogenetic location: 6p24.3.
Variant type: single nucleotide variant.
Coding change: c.1079C>G on transcript NM_001372066.1 (MANE Select); coding-DNA position 1079, C replaced by G.
Protein change: p.Pro360Arg; replaces proline 360 with arginine.
Molecular consequence: missense variant.
Genome position (GRCh38, 1-based): chr6:10,398,658, G>C on the plus strand (C>G on the coding strand, the complement: TFAP2A is on the minus strand). VCF-style: chr6-10398658-G-C. GRCh37 (hg19) VCF-style: chr6-10398891-G-C.
Other names: c.1055C>G, p.Pro352Arg (NM_001032280.3); c.1061C>G, p.Pro354Arg (NM_001042425.3); short protein forms P352R, P354R, P360R.
Identifiers: ClinVar variation 3602404 (VCV003602404.1).
Genomic context (GRCh38, chr6:10,398,658, plus strand): 5'-TGGGTCAAGCAGCTCTGGATGCCGGGCTCCAGGATGGGGTTGGGCCGTGAGTTCCCCAGG[G>C]GAGATCGGTCCTGAGCCAGCAGGTCGGTGAACTCTTTGCATATCTGTCTGCAGCACAAGT-3'
Protein context (NP_001358995.1, residues 350-370): FTDLLAQDRS[Pro360Arg]LGNSRPNPIL

ClinVar aggregate classification (germline): Uncertain significance (1 of 4 stars; one submission).

Submission:

GeneDx
Classification: Uncertain significance. Last evaluated: 2024-07-31. Review status: criteria provided, single submitter. Criteria: GeneDx Variant Classification Process June 2021. Collection method: clinical testing. Allele origin: germline. Affected: yes.
Comment: Not observed at significant frequency in large population cohorts (gnomAD); In silico analysis supports that this missense variant has a deleterious effect on protein structure/function; Has not been previously published as pathogenic or benign to our knowledge